The following is an entry in ClinVar:

ClinVar aggregate classification (germline): Pathogenic (1 of 4 stars; one submission).

Allele frequency attached by ClinVar (database versions not stated): TOPMed below 0.00001; gnomAD 0.00001.

Submission:

Labcorp Genetics (formerly Invitae), Labcorp
Classification: Pathogenic. Last evaluated: 2025-10-14. Review status: criteria provided, single submitter. Criteria: Invitae Variant Classification Sherloc (09022015). Collection method: clinical testing. Allele origin: germline.
Comment: This sequence change falls in intron 9 of the POLE gene. It does not directly change the encoded amino acid sequence of the POLE protein. RNA analysis indicates that this variant induces altered splicing and may result in an absent or altered protein product. This variant is present in population databases (no rsID available, gnomAD 0.01%). This variant has not been reported in the literature in individuals affected with POLE-related conditions. ClinVar contains an entry for this variant (Variation ID: 1413864). Studies have shown that this variant results in activation of a cryptic splice site, and produces a non-functional protein and/or introduces a premature termination codon (internal data). For these reasons, this variant has been classified as Pathogenic.

NM_006231.4(POLE):c.910-14A>G

Gene: POLE (DNA polymerase epsilon, catalytic subunit; minus strand). Cytogenetic location: 12q24.33.
Variant type: single nucleotide variant.
Coding change: c.910-14A>G on transcript NM_006231.4 (MANE Select); 14 bases into the intron before coding-DNA position 910, A replaced by G.
Molecular consequence: intron variant.
Genome position (GRCh38, 1-based): chr12:132,676,218, T>C on the plus strand (A>G on the coding strand, the complement: POLE is on the minus strand). VCF-style: chr12-132676218-T-C. GRCh37 (hg19) VCF-style: chr12-133252804-T-C.
Identifiers: ClinVar variation 1413864 (VCV001413864.8), dbSNP rs1364200072, ClinGen allele CA608262055.
Genomic context (GRCh38, chr12:132,676,218, plus strand): 5'-TCTTCAATATCTTCTGAAACAATCTCCCTGTTGGTGATGAGGTAGCCCTAGCCAAGTTCA[T>C]TAGCAATCAGCACAAGTCAGAGGCTGCAAAGCCAAGAAATGGCGTTCCCACCCTGCCCAC-3'